The following is an entry in ClinVar:

NM_001102564.3(IFT43):c.583C>T (p.Gln195Ter)

Gene: IFT43 (intraflagellar transport 43; plus strand). Cytogenetic location: 14q24.3.
Variant type: single nucleotide variant.
Coding change: c.583C>T on transcript NM_001102564.3 (MANE Select); coding-DNA position 583, C replaced by T.
Protein change: p.Gln195Ter; replaces glutamine 195 with a stop codon.
Molecular consequence: nonsense. On other transcripts: non-coding transcript variant (2).
Genome position (GRCh38, 1-based): chr14:76,083,533, C>T. VCF-style: chr14-76083533-C-T. GRCh37 (hg19) VCF-style: chr14-76549876-C-T.
Other names: c.598C>T, p.Gln200Ter (NM_052873.3); short protein forms Q195*, Q200*.
Identifiers: ClinVar variation 857944 (VCV000857944.7), dbSNP rs150616080, ClinGen allele CA7280963.

ClinVar aggregate classification (germline): Uncertain significance. Review status: criteria provided, multiple submitters, no conflicts (2 of 4 stars). 3 submissions from 3 submitters: Uncertain significance (3). Last evaluated 2026-08-06.

Conditions:
Short-rib thoracic dysplasia 18 with polydactyly. Identifiers: MedGen C4693420, MONDO:0036483, OMIM 617866.
Retinitis pigmentosa 81 (RP81). Identifiers: MedGen C4693443, MONDO:0036482, OMIM 617871.
Cranioectodermal dysplasia 3 (CED3). Identifiers: Orphanet 1515, MedGen C3279807, MONDO:0013573, OMIM 614099.

Allele frequency attached by ClinVar (database versions not stated): gnomAD exomes 0.00008 and 0.00006; ExAC 0.00006; 1000 Genomes Project 0.00020; gnomAD 0.00025; ESP Exome Variant Server 0.00015; 1000 Genomes Project 30x 0.00016; TOPMed 0.00022.
gnomAD v4.1: 129 of 1,614,160 alleles (0.008%); highest among the groups gnomAD compares: African/African-American, 0.036%; no homozygotes.

Submissions (3):

OLLIN Analises Genomicas, OLLIN
Classification: Uncertain significance for Retinitis pigmentosa 81. Last evaluated: 2026-08-06. Review status: criteria provided, single submitter. Criteria: ACMG Guidelines 2015 PMID 25741868. Collection method: clinical testing. Allele origin: germline. Inheritance: Autosomal recessive inheritance.
Comment: This nonsense variant, located in exon 9 (of 9), has been reported in ClinVar (accession VCV000857944.6) and in gnomAD with an allele frequency of 0.008%. However, to our knowledge, it has not been reported in the scientific literature. This variant introduces a premature stop codon, which is predicted to result in either a truncated protein or degradation of the mRNA via nonsense-mediated decay (NMD). According to the currently available evidence, this variant has been classified as uncertain significance (PVS1_M, PM2_P).

Fulgent Genetics
Classification: Uncertain significance for Cranioectodermal dysplasia 3; Short-rib thoracic dysplasia 18 with polydactyly; Retinitis pigmentosa 81. Last evaluated: 2024-04-16. Review status: criteria provided, single submitter. Criteria: ACMG Guidelines, 2015. Collection method: clinical testing. Allele origin: germline.

Labcorp Genetics (formerly Invitae), Labcorp
Classification: Uncertain significance. Last evaluated: 2023-11-28. Review status: criteria provided, single submitter. Criteria: Invitae Variant Classification Sherloc (09022015). Collection method: clinical testing. Allele origin: germline.
Comment: This sequence change creates a premature translational stop signal (p.Gln200*) in the IFT43 gene. While this is not anticipated to result in nonsense mediated decay, it is expected to disrupt the last 14 amino acid(s) of the IFT43 protein. This variant is present in population databases (rs150616080, gnomAD 0.06%). This variant has not been reported in the literature in individuals affected with IFT43-related conditions. ClinVar contains an entry for this variant (Variation ID: 857944). Experimental studies and prediction algorithms are not available or were not evaluated, and the functional significance of this variant is currently unknown. Algorithms developed to predict the effect of sequence changes on RNA splicing suggest that this variant may disrupt the consensus splice site. In summary, the available evidence is currently insufficient to determine the role of this variant in disease. Therefore, it has been classified as a Variant of Uncertain Significance.